The following is an entry in ClinVar:

ClinVar aggregate classification (germline): Uncertain significance (1 of 4 stars; one submission).

Submission:

Women's Health and Genetics/Laboratory Corporation of America, LabCorp
Classification: Uncertain significance. Last evaluated: 2026-03-13. Review status: criteria provided, single submitter. Criteria: LabCorp Variant Classification Summary - May 2015. Collection method: clinical testing. Allele origin: germline.
Comment: Variant summary: EMILIN1 c.269C>A (p.Pro90His) results in a non-conservative amino acid change in the encoded protein sequence. Algorithms developed to predict the effect of missense changes on protein structure and function are either unavailable or do not agree on the potential impact of this missense change. The variant was absent in 250922 control chromosomes. The available data on variant occurrences in the general population are insufficient to allow any conclusion about variant significance. To our knowledge, no occurrence of c.269C>A in individuals affected with EMILIN1-related conditions and no experimental evidence demonstrating its impact on protein function have been reported. No submitters have cited clinical-significance assessments for this variant to ClinVar. Based on the evidence outlined above, the variant was classified as uncertain significance.

NM_007046.4(EMILIN1):c.269C>A (p.Pro90His)

Gene: EMILIN1 (elastin microfibril interfacer 1; plus strand). Cytogenetic location: 2p23.3.
Variant type: single nucleotide variant.
Coding change: c.269C>A on transcript NM_007046.4 (MANE Select); coding-DNA position 269, C replaced by A.
Protein change: p.Pro90His; replaces proline 90 with histidine.
Molecular consequence: missense variant.
Genome position (GRCh38, 1-based): chr2:27,080,249, C>A. VCF-style: chr2-27080249-C-A. GRCh37 (hg19) VCF-style: chr2-27303117-C-A.
Other names: short protein forms P90H.
Identifiers: ClinVar variation 4847245 (VCV004847245.1).